The following is an entry in ClinVar:

NM_001042492.3(NF1):c.5030TCTATA[1] (p.Ile1679_Tyr1680del)

Genes: EVI2A (ecotropic viral integration site 2A; minus strand), NF1 (neurofibromin 1; plus strand). Cytogenetic location: 17q11.2.
Variant type: Microsatellite.
Coding change: c.5030TCTATA[1] on transcript NM_001042492.3 (MANE Select); one copy of the 6-base unit TCTATA starting at c.5030; the reference has two copies in a row; one copy, 6 bases deleted; also written c.5036_5041del.
Protein change: p.Ile1679_Tyr1680del.
Molecular consequence: inframe deletion. On other transcripts: inframe indel (2).
Genome position (GRCh38, 1-based): chr17:31,326,020-31,326,025, TCTATA deleted; deleting any 6 consecutive bases within chr17:31,326,014-31,326,025 gives the same sequence; the position shown is the placement nearest the transcript's 3' end. VCF-style (leftmost placement, unchanged base first): chr17-31326013-GTCTATA-G. GRCh37 (hg19) VCF-style: chr17-29653031-GTCTATA-G.
Other names: c.5036_5041del (NM_001042492.2); c.4967_4972TCTATA[1], p.Ile1658_Tyr1659del (NM_000267.4); c.4973_4978delTCTATA (NM_000267.3); c.4973_4978del (NM_000267.3).
Identifiers: ClinVar variation 431651 (VCV000431651.28), dbSNP rs1135402868, ClinGen allele CA645373098.
Genomic context (GRCh38, chr17:31,326,013, plus strand): 5'-GACTTTCTCTCTAAGTGGTTTGTTGTTTTTCCTGGCTTTGCTTACGACAACGTCTCCGCA[GTCTATA>G]TCTATAACTGTAACTCCTGGGTCAGGGAGTACACCAAGTATCATGAGCGGCTGCTGACTG-3'

ClinVar aggregate classification (germline): Pathogenic/Likely pathogenic. Review status: criteria provided, multiple submitters, no conflicts (2 of 4 stars). 12 submissions from 12 submitters: Pathogenic (6); Likely pathogenic (5). 1 of the submissions does not count toward it. Last evaluated 2025-08-17.

Conditions:
NF1-related disorder. Also called: NF1-related condition. Identifiers: MedGen CN379171.
Juvenile myelomonocytic leukemia (JMML). Also called: LEUKEMIA, JUVENILE MYELOMONOCYTIC, SOMATIC. Identifiers: Orphanet 86834, MedGen C0349639, MONDO:0011908, OMIM 607785, HP:0012209.
Hereditary cancer-predisposing syndrome. Also called: Hereditary Cancer Syndrome; Hereditary neoplastic syndrome; Neoplastic Syndromes, Hereditary; Tumor predisposition. Identifiers: Orphanet 140162, MedGen C0027672, MeSH D009386, MONDO:0015356.
Cardiovascular phenotype. Identifiers: MedGen CN230736.
Neurofibromatosis, type 1 (NF1). Also called: Neurofibromatosis, type I; Peripheral type neurofibromatosis; VON RECKLINGHAUSEN DISEASE; NEUROFIBROMATOSIS, TYPE I, SOMATIC. Identifiers: Orphanet 636, MedGen C0027831, MONDO:0018975, OMIM 162200. Disease mechanism: loss of function.

Submissions (12):

Labcorp Genetics (formerly Invitae), Labcorp
Classification: Pathogenic for Neurofibromatosis, type 1. Last evaluated: 2025-08-17. Review status: criteria provided, single submitter. Criteria: Invitae Variant Classification Sherloc (09022015). Collection method: clinical testing. Allele origin: germline.
Comment: This variant, c.4973_4978del, results in the deletion of 2 amino acid(s) of the NF1 protein (p.Ile1658_Tyr1659del), but otherwise preserves the integrity of the reading frame. This variant is not present in population databases (gnomAD no frequency). This variant has been observed in individual(s) with neurofibromatosis type 1 (PMID: 10534774, 30530636; internal data). In at least one individual the variant was observed to be de novo. Invitae Evidence Modeling of clinical and family history, age, sex, and reported ancestry of multiple individuals with this NF1 variant has been performed. This variant is expected to be pathogenic with a positive predictive value of at least 99%. This is a validated machine learning model that incorporates the clinical features of 1,785,918 individuals referred to our laboratory for NF1 testing. ClinVar contains an entry for this variant (Variation ID: 431651). Experimental studies and prediction algorithms are not available or were not evaluated, and the functional significance of this variant is currently unknown. For these reasons, this variant has been classified as Pathogenic.

Quest Diagnostics Nichols Institute San Juan Capistrano
Classification: Likely pathogenic. Last evaluated: 2025-07-14. Review status: criteria provided, single submitter. Criteria: Quest Diagnostics criteria. Collection method: clinical testing. Allele origin: unknown.
Comment: The NF1 c.4973_4978del (p.Ile1658_Tyr1659del) variant has been reported in the published literature in several individuals affected with neurofibromatosis 1 (PMIDs: 10534774 (1999), 25074460 (2015), 30530636 (2019), 31121919 (2019), 31370276 (2019), 31776437 (2020), 36612057 (2022)). This variant has not been reported in large, multi-ethnic general populations (Genome Aggregation Database). Based on the available information, this variant is classified as likely pathogenic.

Ambry Genetics
Classification: Pathogenic for Cardiovascular phenotype; Hereditary cancer-predisposing syndrome. Last evaluated: 2025-06-23. Review status: criteria provided, single submitter. Criteria: Ambry Variant Classification Scheme 2023. Collection method: clinical testing. Allele origin: germline.
Comment: The c.4973_4978delTCTATA pathogenic mutation (also known as p.I1658_Y1659del) is located in coding exon 36 of the NF1 gene. This pathogenic mutation results from an in-frame TCTATA deletion at nucleotide positions 4973 to 4978. This results in the in-frame deletion of isoleucine and tyrosine at amino acid positions 1658 and 1659. This variant was reported in individual(s) with features consistent with neurofibromatosis type 1 (NF1); in at least one individual, it was determined to be de novo or the result of germline mosaicism (Wu R et al. Genes Chromosomes Cancer 1999;26(4):376-80; Giugliano T et al. Genes (Basel). 2019 07;10:; Maani N et al. Cancers (Basel). 2019 May;11:; Kang E et al. J Hum Genet. 2020 Jan;65:79-89; Ambry internal data). This variant is considered to be rare based on population cohorts in the Genome Aggregation Database (gnomAD). In addition, this alteration is predicted to be deleterious by in silico analysis (Choi Y et al. PLoS ONE. 2012; 7(10):e46688). This amino acid region is well conserved in available vertebrate species. Based on the supporting evidence, this alteration is interpreted as a disease-causing mutation.

Revvity Omics, Revvity
Classification: Likely pathogenic. Last evaluated: 2024-06-20. Review status: criteria provided, single submitter. Criteria: ACMG Guidelines, 2015. Collection method: clinical testing. Allele origin: germline.

Institute of Medical Genetics and Applied Genomics, University Hospital Tübingen
Classification: Likely pathogenic for Neurofibromatosis, type 1. Last evaluated: 2024-02-14. Review status: criteria provided, single submitter. Criteria: ACMG Guidelines, 2015. Collection method: clinical testing. Allele origin: germline. Inheritance: Autosomal dominant inheritance. Affected: yes.

Baylor Genetics
Classification: Pathogenic for Juvenile myelomonocytic leukemia. Last evaluated: 2023-07-23. Review status: criteria provided, single submitter. Criteria: ACMG Guidelines, 2015. Collection method: clinical testing. Allele origin: unknown.

GeneDx
Classification: Pathogenic. Last evaluated: 2022-11-03. Review status: criteria provided, single submitter. Criteria: GeneDx Variant Classification Process June 2021. Collection method: clinical testing. Allele origin: germline. Affected: yes.
Comment: In-frame deletion of 2 amino acids in a non-repeat region; Not observed at significant frequency in large population cohorts (gnomAD); In silico analysis supports a deleterious effect on protein structure/function; This variant is associated with the following publications: (PMID: 31121919, 10534774, 30530636, 21089070, 31370276, 31776437)

ARUP Laboratories, Molecular Genetics and Genomics, ARUP Laboratories
Classification: Likely pathogenic. Last evaluated: 2022-04-04. Review status: criteria provided, single submitter. Criteria: ARUP Molecular Germline Variant Investigation Process 2021. Collection method: clinical testing. Allele origin: germline.
Comment: The NF1 c.5036_5041delTCTATA; p.Ile1679_Tyr1680del variant (rs1135402868), also known as 4973delTCTATA for NM_000267.3, is reported in the literature in multiple individuals with NF1 (Frayling 2019, Giugliano 2019, Maani 2019, Wu 1999), and is reported in ClinVar (Variation ID: 431651). This variant is absent from the Genome Aggregation Database, indicating it is not a common polymorphism. This variant deletes an isoleucine and tyrosine residue leaving the rest of the protein in-frame. Based on available information, this variant is considered to be likely pathogenic. References: Frayling IM et al. Breast cancer risk in neurofibromatosis type 1 is a function of the type of NF1 gene mutation: a new genotype-phenotype correlation. J Med Genet. 2019 Apr;56(4):209-219. PMID: 30530636. Giugliano T et al. Clinical and Genetic Findings in Children with Neurofibromatosis Type 1, Legius Syndrome, and Other Related Neurocutaneous Disorders. Genes (Basel). 2019 Jul 31;10(8):580. PMID: 31370276. Maani N et al. NF1 Patients Receiving Breast Cancer Screening: Insights from The Ontario High Risk Breast Screening Program. Cancers (Basel). 2019 May 22;11(5):707. PMID: 31121919. Wu R et al. Germline mutations in NF1 patients with malignancies. Genes Chromosomes Cancer. 1999 Dec;26(4):376-80. PMID: 10534774.

Genome-Nilou Lab
Classification: Pathogenic for Neurofibromatosis, type 1. Last evaluated: 2022-03-15. Review status: criteria provided, single submitter. Criteria: ACMG Guidelines, 2015. Collection method: clinical testing. Allele origin: germline. Affected: no.

Blueprint Genetics
Classification: Pathogenic for NF1-related disorders. Last evaluated: 2021-12-22. Review status: criteria provided, single submitter. Criteria: ACMG Guidelines, 2015. Collection method: clinical testing. Allele origin: germline. Affected: yes. Observed: 1 variant allele.

Genome Diagnostics Laboratory, The Hospital for Sick Children
Classification: Likely pathogenic for Neurofibromatosis, type 1. Last evaluated: 2020-10-26. Review status: criteria provided, single submitter. Criteria: ACMG Guidelines, 2015. Collection method: clinical testing. Allele origin: germline. Affected: yes.

Medical Genetics, University of Parma
Classification: Pathogenic for Neurofibromatosis type 1. Last evaluated: 2017-02-02. Review status: no assertion criteria provided. Collection method: clinical testing. Allele origin: germline. Affected: yes. Not counted in ClinVar's aggregate classification.

Literature cited by the submitters: PubMed 10534774 (cited by Labcorp Genetics (formerly Invitae), Labcorp); PubMed 30530636 (cited by Labcorp Genetics (formerly Invitae), Labcorp); PubMed 31121919 (cited by Ambry Genetics); PubMed 31370276 (cited by Ambry Genetics); PubMed 31776437 (cited by Ambry Genetics).